The following is an entry in ClinVar:

ClinVar aggregate classification (germline): Uncertain significance. Review status: criteria provided, multiple submitters, no conflicts (2 of 4 stars). 2 submissions from 2 submitters: Uncertain significance (2). Last evaluated 2023-06-17.

Submissions (2):

Labcorp Genetics (formerly Invitae), Labcorp
Classification: Uncertain significance. Last evaluated: 2023-06-17. Review status: criteria provided, single submitter. Criteria: Invitae Variant Classification Sherloc (09022015). Collection method: clinical testing. Allele origin: germline.
Comment: This variant results in the deletion of part of exon 6 (c.173-12_174del) of the MFAP5 gene. It is expected to disrupt RNA splicing. Variants that disrupt the donor or acceptor splice site typically lead to a loss of protein function (PMID: 16199547), however the current clinical and genetic evidence is not sufficient to establish whether loss-of-function variants in MFAP5 cause disease. This variant is not present in population databases (gnomAD no frequency). This variant has not been reported in the literature in individuals affected with MFAP5-related conditions. Algorithms developed to predict the effect of sequence changes on RNA splicing suggest that this variant may disrupt the consensus splice site. In summary, the available evidence is currently insufficient to determine the role of this variant in disease. Therefore, it has been classified as a Variant of Uncertain Significance.

Blueprint Genetics
Classification: Uncertain significance. Last evaluated: 2022-08-31. Review status: criteria provided, single submitter. Criteria: ACMG Guidelines, 2015. Collection method: clinical testing. Allele origin: germline.

Literature cited by the submitters: PubMed 16199547 (cited by Labcorp Genetics (formerly Invitae), Labcorp).

NM_003480.4(MFAP5):c.173-12_174del

Gene: MFAP5 (microfibril associated protein 5; minus strand). Cytogenetic location: 12p13.31.
Variant type: Deletion.
Coding change: c.173-12_174del on transcript NM_003480.4 (MANE Select); 12 bases into the intron before coding-DNA position 173 through coding-DNA position 174, 14 bases deleted (GTGCCTTTTCAGTT).
Molecular consequence: splice acceptor variant. On other transcripts: intron variant (1).
Genome position (GRCh38, 1-based): chr12:8,654,480-8,654,493, AACTGAAAAGGCAC deleted on the plus strand (GTGCCTTTTCAGTT on the coding strand, the reverse complement: MFAP5 is on the minus strand); deleting any 14 consecutive bases within chr12:8,654,480-8,654,495 gives the same sequence; the c. name uses the placement nearest the transcript's 3' end. VCF-style (leftmost placement, unchanged base first): chr12-8654479-AAACTGAAAAGGCAC-A. GRCh37 (hg19) VCF-style: chr12-8807075-AAACTGAAAAGGCAC-A.
Other names: c.137-12_138del (NM_001297710.2); c.172+922_172+935del (NM_001297711.2); c.173-12_174del (NM_001297712.2, NM_001297709.2).
Identifiers: ClinVar variation 2854873 (VCV002854873.4), dbSNP rs761322383, ClinGen allele CA6434700.